The following is an entry in ClinVar:

ClinVar aggregate classification (germline): Uncertain significance. Review status: criteria provided, multiple submitters, no conflicts (2 of 4 stars). 2 submissions from 2 submitters: Uncertain significance (2). Last evaluated 2026-06-06.

Submissions (2):

Ambry Genetics
Classification: Uncertain significance. Last evaluated: 2026-06-06. Review status: criteria provided, single submitter. Criteria: Ambry Variant Classification Scheme 2023. Collection method: clinical testing. Allele origin: germline.
Comment: The p.L24P variant (also known as c.71T>C), located in coding exon 2 of the RPS20 gene, results from a T to C substitution at nucleotide position 71. The leucine at codon 24 is replaced by proline, an amino acid with similar properties. This amino acid position is highly conserved in available vertebrate species. In addition, this alteration is predicted to be deleterious by in silico analysis. This variant was reported in individual(s) with features consistent with RPS20-related colorectal cancer predisposition (Ambry internal data). Based on internal structural analysis, this variant is anticipated to result in a significant decrease in structural stability (Pellegrino S et al. Nucleic Acids Res, 2023 May;51:4043-4054). Based on the available evidence, the clinical significance of this variant remains unclear.

Labcorp Genetics (formerly Invitae), Labcorp
Classification: Uncertain significance. Last evaluated: 2024-01-24. Review status: criteria provided, single submitter. Criteria: Invitae Variant Classification Sherloc (09022015). Collection method: clinical testing. Allele origin: germline.
Comment: This sequence change replaces leucine, which is neutral and non-polar, with proline, which is neutral and non-polar, at codon 24 of the RPS20 protein (p.Leu24Pro). This variant is not present in population databases (gnomAD no frequency). This variant has not been reported in the literature in individuals affected with RPS20-related conditions. An algorithm developed to predict the effect of missense changes on protein structure and function (PolyPhen-2) suggests that this variant is likely to be disruptive. In summary, the available evidence is currently insufficient to determine the role of this variant in disease. Therefore, it has been classified as a Variant of Uncertain Significance.

Literature cited by the submitters: PubMed 36951107 (cited by Ambry Genetics).

NM_001023.4(RPS20):c.71T>C (p.Leu24Pro)

Gene: RPS20 (ribosomal protein S20; minus strand). Cytogenetic location: 8q12.1.
Variant type: single nucleotide variant.
Coding change: c.71T>C on transcript NM_001023.4 (MANE Select); coding-DNA position 71, T replaced by C.
Protein change: p.Leu24Pro; replaces leucine 24 with proline.
Molecular consequence: missense variant.
Genome position (GRCh38, 1-based): chr8:56,074,092, A>G on the plus strand (T>C on the coding strand, the complement: RPS20 is on the minus strand). VCF-style: chr8-56074092-A-G. GRCh37 (hg19) VCF-style: chr8-56986651-A-G.
Other names: c.71T>C, p.Leu24Pro (NM_001146227.3); c.71T>C (NM_001023.3); short protein forms L24P.
Identifiers: ClinVar variation 2910078 (VCV002910078.4), dbSNP rs755626182, ClinGen allele CA371283778.